The following is an entry in ClinVar:

NM_001162501.2(TNRC6B):c.2413G>T (p.Ala805Ser)

Gene: TNRC6B (trinucleotide repeat containing adaptor 6B; plus strand). Cytogenetic location: 22q13.1.
Variant type: single nucleotide variant.
Coding change: c.2413G>T on transcript NM_001162501.2 (MANE Select); coding-DNA position 2413, G replaced by T.
Protein change: p.Ala805Ser; replaces alanine 805 with serine.
Molecular consequence: missense variant. On other transcripts: intron variant (1).
Genome position (GRCh38, 1-based): chr22:40,266,643, G>T. VCF-style: chr22-40266643-G-T. GRCh37 (hg19) VCF-style: chr22-40662647-G-T.
Other names: c.2413G>T, p.Ala805Ser (NM_015088.3); c.566-3479G>T (NM_001024843.2); short protein forms A805S.
Identifiers: ClinVar variation 3353728 (VCV003353728.1).
Genomic context (GRCh38, chr22:40,266,643, plus strand): 5'-AATGGTGGCAATGCAAGCCTAGCTTCAAAAGGTGGGTGGGAGGATTGCAAAAGATCCCCA[G>T]CATGGAATGAGACGGGCCGACAGCCCAATTCCTGGAATAAACAACACCAACAGCAGCAGC-3'
Protein context (NP_001155973.1, residues 795-815): GGWEDCKRSP[Ala805Ser]WNETGRQPNS

ClinVar aggregate classification (germline): Uncertain significance (0 of 4 stars; one submission).

Conditions:
TNRC6B-related disorder. Also called: TNRC6B-related condition.

gnomAD v4.1: 5 of 1,612,306 alleles (0.00031%); highest among the groups gnomAD compares: African/African-American, 0.0067%; no homozygotes.

Submission:

PreventionGenetics, part of Exact Sciences
Classification: Uncertain significance for TNRC6B-related condition. Last evaluated: 2024-09-28. Review status: no assertion criteria provided. Collection method: clinical testing. Allele origin: germline.
Comment: The TNRC6B c.2413G>T variant is predicted to result in the amino acid substitution p.Ala805Ser. To our knowledge, this variant has not been reported in the literature or in a large population database, indicating this variant is rare. At this time, the clinical significance of this variant is uncertain due to the absence of conclusive functional and genetic evidence.